The following is an entry in ClinVar:

ClinVar aggregate classification (germline): Likely pathogenic (1 of 4 stars; one submission).

Conditions:
RP1-related disorder. Also called: RP1-related condition.

Submission:

PreventionGenetics, part of Exact Sciences
Classification: Likely pathogenic for RP1-related condition. Last evaluated: 2026-02-18. Review status: criteria provided, single submitter. Criteria: ACMG Guidelines, 2015. Collection method: clinical testing. Allele origin: germline.
Comment: The RP1 c.3286_3306delinsTC variant is predicted to result in a frameshift and premature protein termination (p.Pro1096Serfs*29). To our knowledge, this variant has not been reported in the literature or in a large population database (gnomAD), indicating this variant is rare. Frameshift variants in RP1 are expected to be pathogenic. This variant is interpreted as likely pathogenic.

NM_006269.2(RP1):c.3286_3306delinsTC (p.Pro1096fs)

Gene: RP1 (RP1 axonemal microtubule associated; plus strand). Cytogenetic location: 8q12.1.
Variant type: Indel.
Coding change: c.3286_3306delinsTC on transcript NM_006269.2 (MANE Select); coding-DNA positions 3286 to 3306, CCTGGTATTCACAAGACTCAG replaced by TC.
Protein change: p.Pro1096fs; shifts the reading frame from proline 1096.
Molecular consequence: frameshift variant. On other transcripts: intron variant (1).
Genome position (GRCh38, 1-based): chr8:54,627,168-54,627,188, CCTGGTATTCACAAGACTCAG replaced by TC. VCF-style: chr8-54627168-CCTGGTATTCACAAGACTCAG-TC. GRCh37 (hg19) VCF-style: chr8-55539728-CCTGGTATTCACAAGACTCAG-TC.
Other names: c.787+4880_787+4900delinsTC (NM_001375654.1); short protein forms P1096fs.
Identifiers: ClinVar variation 4992953 (VCV004992953.1).